The following is an entry in ClinVar:

NM_000388.4(CASR):c.573G>A (p.Glu191=)

Gene: CASR (calcium sensing receptor; plus strand). Cytogenetic location: 3q21.1.
Variant type: single nucleotide variant.
Coding change: c.573G>A on transcript NM_000388.4 (MANE Select); coding-DNA position 573, G replaced by A.
Protein change: p.Glu191=; no amino-acid change (glutamic acid 191 retained).
Molecular consequence: synonymous variant.
Genome position (GRCh38, 1-based): chr3:122,261,608, G>A. VCF-style: chr3-122261608-G-A. GRCh37 (hg19) VCF-style: chr3-121980455-G-A.
Other names: c.573G>A, p.Glu191= (NM_001178065.2).
Identifiers: ClinVar variation 237771 (VCV000237771.44), dbSNP rs141631116, ClinGen allele CA2569511.

ClinVar aggregate classification (germline): Benign/Likely benign. Review status: criteria provided, multiple submitters, no conflicts (2 of 4 stars). 9 submissions from 6 submitters: Benign (6); Likely benign (3). Last evaluated 2026-07-01.

Conditions:
Nephrolithiasis/nephrocalcinosis. Identifiers: MedGen CN580796.
Autosomal dominant hypocalcemia 1 (HYPOC1). Also called: HYPOCALCEMIA, FAMILIAL. Identifiers: MedGen C3715128, MONDO:0011013, OMIM 601198.
Familial hypocalciuric hypercalcemia (FHH). Also called: Familial benign hypercalcemia. Identifiers: Orphanet 405, MedGen C1809471, MONDO:0018458.
Familial hypocalciuric hypercalcemia 1. Also called: Hypercalcemia, familial benign type 1. Identifiers: Orphanet 405, Orphanet 93372, MedGen C0342637, MONDO:0007791, OMIM 145980.
Neonatal severe primary hyperparathyroidism. Identifiers: Orphanet 417, MedGen C1832615, MONDO:0009397, OMIM 239200.
Familial hypoparathyroidism. Also called: Familial isolated hypoparathyroidism. Identifiers: Orphanet 2238, MedGen C1832648, MONDO:0016390.

Allele frequency attached by ClinVar (database versions not stated): gnomAD 0.00016 and 0.00061; TOPMed 0.00020; ESP Exome Variant Server 0.00023; gnomAD exomes 0.00106 and 0.00189; 1000 Genomes Project 0.00140; 1000 Genomes Project 30x 0.00156; ExAC 0.00200.
gnomAD v4.1: 1,651 of 1,614,166 alleles (0.1%); highest among the groups gnomAD compares: South Asian, 1.4%; 27 homozygotes.

Submissions (9):

CeGaT Center for Human Genetics Tuebingen
Classification: Benign. Last evaluated: 2026-07-01. Review status: criteria provided, single submitter. Criteria: CeGaT Center For Human Genetics Tuebingen Variant Classification Criteria Version 2. Collection method: clinical testing. Allele origin: germline. Affected: yes. Observed: 4 variant alleles.
Comment: CASR: BP4, BP7, BS1, BS2

Labcorp Genetics (formerly Invitae), Labcorp
Classification: Benign for Familial hypocalciuric hypercalcemia; Autosomal dominant hypocalcemia 1. Last evaluated: 2026-02-01. Review status: criteria provided, single submitter. Criteria: Invitae Variant Classification Sherloc (09022015). Collection method: clinical testing. Allele origin: germline.

Blueprint Genetics
Classification: Likely benign. Last evaluated: 2024-11-22. Review status: criteria provided, single submitter. Criteria: ACMG Guidelines, 2015. Collection method: clinical testing. Allele origin: germline.

Ambry Genetics
Classification: Benign for Nephrolithiasis/nephrocalcinosis. Last evaluated: 2019-01-14. Review status: criteria provided, single submitter. Criteria: Ambry Variant Classification Scheme 2023. Collection method: clinical testing. Allele origin: germline.

Illumina Laboratory Services, Illumina
Classification: Likely benign for Familial hypocalciuric hypercalcemia 1. Last evaluated: 2018-01-13. Review status: criteria provided, single submitter. Criteria: ICSL Variant Classification Criteria 13 December 2019. Collection method: clinical testing. Allele origin: germline.
Comment: This variant was observed in the ICSL laboratory as part of a predisposition screen in an ostensibly healthy population. It had not been previously curated by ICSL or reported in the Human Gene Mutation Database (HGMD: prior to June 1st, 2018), and was therefore a candidate for classification through an automated scoring system. Utilizing variant allele frequency, disease prevalence and penetrance estimates, and inheritance mode, an automated score was calculated to assess if this variant is too frequent to cause the disease. Based on the score and internal cut-off values, a variant classified as likely benign is not then subjected to further curation. The score for this variant resulted in a classification of likely benign for this disease.

Illumina Laboratory Services, Illumina
Classification: Benign for Familial isolated hypoparathyroidism. Last evaluated: 2018-01-13. Review status: criteria provided, single submitter. Criteria: ICSL Variant Classification Criteria 13 December 2019. Collection method: clinical testing. Allele origin: germline.
Comment: This variant was observed in the ICSL laboratory as part of a predisposition screen in an ostensibly healthy population. It had not been previously curated by ICSL or reported in the Human Gene Mutation Database (HGMD: prior to June 1st, 2018), and was therefore a candidate for classification through an automated scoring system. Utilizing variant allele frequency, disease prevalence and penetrance estimates, and inheritance mode, an automated score was calculated to assess if this variant is too frequent to cause the disease. Based on the score and internal cut-off values, a variant classified as benign is not then subjected to further curation. The score for this variant resulted in a classification of benign for this disease.

Illumina Laboratory Services, Illumina
Classification: Benign for Neonatal severe primary hyperparathyroidism. Last evaluated: 2018-01-13. Review status: criteria provided, single submitter. Criteria: ICSL Variant Classification Criteria 13 December 2019. Collection method: clinical testing. Allele origin: germline.
Comment: the same text as in the submission from Illumina Laboratory Services, Illumina above.

Illumina Laboratory Services, Illumina
Classification: Likely benign for Autosomal dominant hypocalcemia 1. Last evaluated: 2018-01-13. Review status: criteria provided, single submitter. Criteria: ICSL Variant Classification Criteria 13 December 2019. Collection method: clinical testing. Allele origin: germline.
Comment: the same text as in the submission from Illumina Laboratory Services, Illumina above.

Athena Diagnostics
Classification: Benign. Last evaluated: 2017-05-10. Review status: criteria provided, single submitter. Criteria: Athena Diagnostics Criteria. Collection method: clinical testing. Allele origin: germline.

Literature cited by the submitters: PubMed 22192860 (cited by Athena Diagnostics); PubMed 18756473 (cited by Athena Diagnostics); PubMed 26166472 (cited by Athena Diagnostics); PubMed 17320849 (cited by Athena Diagnostics); PubMed 20164288 (cited by Athena Diagnostics).